The following is an entry in ClinVar:

ClinVar aggregate classification (germline): Uncertain significance. Review status: criteria provided, multiple submitters, no conflicts (2 of 4 stars). 8 submissions from 8 submitters: Uncertain significance (7). 1 of the submissions does not count toward it. Last evaluated 2025-12-22.

Conditions:
Medulloblastoma (MDB). Also called: Medulloblastoma, somatic; MEDULLOBLASTOMA PREDISPOSITION SYNDROME. Identifiers: Orphanet 616, MedGen C0025149, MeSH D008527, MONDO:0007959, OMIM 155255, HP:0002885.
Familial dysautonomia. Also called: HSAN III; FD. Identifiers: Orphanet 1764, MedGen C0013364, MONDO:0009131, OMIM 223900. Disease mechanism: loss of function.

Allele frequency attached by ClinVar (database versions not stated): ExAC 0.00005; ESP Exome Variant Server 0.00008; gnomAD exomes 0.00005 and 0.00006; TOPMed 0.00006.
gnomAD v4.1: 76 of 1,613,512 alleles (0.0047%); highest among the groups gnomAD compares: Middle Eastern, 0.049%; no homozygotes.

Submissions (8):

Ambry Genetics
Classification: Uncertain significance. Last evaluated: 2025-12-22. Review status: criteria provided, single submitter. Criteria: Ambry Variant Classification Scheme 2023. Collection method: clinical testing. Allele origin: germline.

Women's Health and Genetics/Laboratory Corporation of America, LabCorp
Classification: Uncertain significance. Last evaluated: 2025-07-28. Review status: criteria provided, single submitter. Criteria: LabCorp Variant Classification Summary - May 2015. Collection method: clinical testing. Allele origin: germline.
Comment: Variant summary: ELP1 c.3259G>A (p.Ala1087Thr) results in a non-conservative amino acid change in the encoded protein sequence. Algorithms developed to predict the effect of missense changes on protein structure and function are either unavailable or do not agree on the potential impact of this missense change. The variant allele was found at a frequency of 4.7e-05 in 1613512 control chromosomes. This frequency is not significantly higher than estimated for a pathogenic variant in ELP1 causing Familial Dysautonomia (4.7e-05 vs 0.0018), allowing no conclusion about variant significance. To our knowledge, no occurrence of c.3259G>A in individuals affected with Familial Dysautonomia and no experimental evidence demonstrating its impact on protein function have been reported. ClinVar contains an entry for this variant (Variation ID: 364561). Based on the evidence outlined above, the variant was classified as uncertain significance.

Labcorp Genetics (formerly Invitae), Labcorp
Classification: Uncertain significance. Last evaluated: 2022-08-02. Review status: criteria provided, single submitter. Criteria: Invitae Variant Classification Sherloc (09022015). Collection method: clinical testing. Allele origin: germline.
Comment: This sequence change replaces alanine, which is neutral and non-polar, with threonine, which is neutral and polar, at codon 1087 of the ELP1 protein (p.Ala1087Thr). This variant is present in population databases (rs61749203, gnomAD 0.007%). This variant has not been reported in the literature in individuals affected with ELP1-related conditions. ClinVar contains an entry for this variant (Variation ID: 364561). Algorithms developed to predict the effect of missense changes on protein structure and function output the following: SIFT: "Tolerated"; PolyPhen-2: "Benign"; Align-GVGD: "Class C0". The threonine amino acid residue is found in multiple mammalian species, which suggests that this missense change does not adversely affect protein function. In summary, the available evidence is currently insufficient to determine the role of this variant in disease. Therefore, it has been classified as a Variant of Uncertain Significance.

St. Jude Molecular Pathology, St. Jude Children's Research Hospital
Classification: Uncertain significance for Medulloblastoma. Last evaluated: 2021-11-11. Review status: criteria provided, single submitter. Criteria: St. Jude Assertion Criteria 2020. Collection method: clinical testing. Allele origin: germline.
Comment: The ELP1 c.3259G>A (p.Ala1087Thr) missense change has a maximum subpopulation frequency of 0.0097% in gnomAD v2.1.1. Five of seven in silico tools predict a benign effect of this variant on protein function (BP4), but to our knowledge these predictions have not been confirmed by functional assays. To our knowledge, this variant has not been reported in individuals with a personal or family history of medulloblastoma. In summary, this variant meets criteria to be classified as of uncertain significance based on the ACMG/AMP criteria: BP4

Fulgent Genetics
Classification: Uncertain significance for Medulloblastoma; Familial dysautonomia. Last evaluated: 2021-10-03. Review status: criteria provided, single submitter. Criteria: ACMG Guidelines, 2015. Collection method: clinical testing. Allele origin: unknown.

GeneDx
Classification: Uncertain significance. Last evaluated: 2021-01-18. Review status: criteria provided, single submitter. Criteria: GeneDx Variant Classification Process June 2021. Collection method: clinical testing. Allele origin: germline. Affected: yes.
Comment: Not observed at a significant frequency in large population cohorts (Lek et al., 2016); In silico analysis supports that this missense variant does not alter protein structure/function; Has not been previously published as pathogenic or benign to our knowledge

Illumina Laboratory Services, Illumina
Classification: Uncertain significance for Familial dysautonomia. Last evaluated: 2018-01-12. Review status: criteria provided, single submitter. Criteria: ICSL Variant Classification Criteria 13 December 2019. Collection method: clinical testing. Allele origin: germline.

Natera, Inc.
Classification: Uncertain significance for Hereditary sensory and autonomic neuropathy type III. Last evaluated: 2020-01-17. Review status: no assertion criteria provided. Collection method: clinical testing. Allele origin: germline. Not counted in ClinVar's aggregate classification.

NM_003640.5(ELP1):c.3259G>A (p.Ala1087Thr)

Gene: ELP1 (elongator acetyltransferase complex subunit 1; minus strand). Cytogenetic location: 9q31.3.
Variant type: single nucleotide variant.
Coding change: c.3259G>A on transcript NM_003640.5 (MANE Select); coding-DNA position 3259, G replaced by A.
Protein change: p.Ala1087Thr; replaces alanine 1087 with threonine.
Molecular consequence: missense variant.
Genome position (GRCh38, 1-based): chr9:108,882,151, C>T on the plus strand (G>A on the coding strand, the complement: ELP1 is on the minus strand). VCF-style: chr9-108882151-C-T. GRCh37 (hg19) VCF-style: chr9-111644431-C-T.
Other names: c.3259G>A (LRG_251t1, NM_003640.4); c.2917G>A, p.Ala973Thr (NM_001318360.2); c.2212G>A, p.Ala738Thr (NM_001330749.2); short protein forms A1087T, A738T, A973T.
Identifiers: ClinVar variation 364561 (VCV000364561.20), dbSNP rs61749203, ClinGen allele CA5174364.